The following is an entry in ClinVar:

ClinVar aggregate classification (germline): Uncertain significance (1 of 4 stars; one submission).

Conditions:
Charcot-Marie-Tooth disease type 4. Also called: Charcot-Marie-Tooth disease, type IV; Charcot-Marie-Tooth, Type 4. Identifiers: Orphanet 64749, MedGen C4082197, MONDO:0018995.

Submission:

Labcorp Genetics (formerly Invitae), Labcorp
Classification: Uncertain significance for Charcot-Marie-Tooth disease type 4. Last evaluated: 2022-01-19. Review status: criteria provided, single submitter. Criteria: Invitae Variant Classification Sherloc (09022015). Collection method: clinical testing. Allele origin: germline.
Comment: In summary, the available evidence is currently insufficient to determine the role of this variant in disease. Therefore, it has been classified as a Variant of Uncertain Significance. Algorithms developed to predict the effect of missense changes on protein structure and function output the following: SIFT: "Tolerated"; PolyPhen-2: "Benign"; Align-GVGD: "Class C0". The serine amino acid residue is found in multiple mammalian species, which suggests that this missense change does not adversely affect protein function. This variant has not been reported in the literature in individuals affected with FGD4-related conditions. This variant is not present in population databases (gnomAD no frequency). This sequence change replaces proline, which is neutral and non-polar, with serine, which is neutral and polar, at codon 166 of the FGD4 protein (p.Pro166Ser).

NM_001370298.3(FGD4):c.907C>T (p.Pro303Ser)

Gene: FGD4 (FYVE, RhoGEF and PH domain containing 4; plus strand). Cytogenetic location: 12p11.21.
Variant type: single nucleotide variant.
Coding change: c.907C>T on transcript NM_001370298.3 (MANE Select); coding-DNA position 907, C replaced by T.
Protein change: p.Pro303Ser; replaces proline 303 with serine.
Molecular consequence: missense variant. On other transcripts: 5 prime UTR variant (2), non-coding transcript variant (1), intron variant (1).
Genome position (GRCh38, 1-based): chr12:32,582,363, C>T. VCF-style: chr12-32582363-C-T. GRCh37 (hg19) VCF-style: chr12-32735297-C-T.
Other names: c.751C>T, p.Pro251Ser (NM_001304481.2); c.-349C>T (NM_001304483.2); c.-656C>T (NM_001304484.2); c.217C>T, p.Pro73Ser (NM_001330373.2, NM_001330374.2, NM_001384130.1); c.907C>T, p.Pro303Ser (NM_001384126.1); c.496C>T, p.Pro166Ser (NM_001384127.1, NM_001384128.1, NM_001384131.1 and 3 more transcripts); c.49-16134C>T (NM_001370297.1); short protein forms P166S, P251S, P303S, P73S.
Identifiers: ClinVar variation 2033957 (VCV002033957.4), dbSNP rs748280219, ClinGen allele CA384356379.
Genomic context (GRCh38, chr12:32,582,363, plus strand): 5'-AGCTGTGATGGAAATGCTTCTGACAGTAGCTACAGGACTCCAGGCATAGGCCCAGTGCTC[C>T]CCCTAGAAGAAAGAGGGGCAGAAACAGAAACCAAGGTACAAGAGAGGGAAAATGGGGAAA-3'
Protein context (NP_001357227.2, residues 293-313): YRTPGIGPVL[Pro303Ser]LEERGAETET